The following is an entry in ClinVar:

NM_153240.5(NPHP3):c.1936_1937del (p.Val646fs)

Genes: NPHP3 (nephrocystin 3; minus strand), NPHP3-ACAD11 (NPHP3-ACAD11 readthrough (NMD candidate); minus strand). Cytogenetic location: 3q22.1.
Variant type: Deletion.
Coding change: c.1936_1937del on transcript NM_153240.5 (MANE Select); coding-DNA positions 1936 to 1937, 2 bases deleted (GT; older notation c.1936_1937delGT).
Protein change: p.Val646fs; shifts the reading frame from valine 646.
Molecular consequence: frameshift variant.
Genome position (GRCh38, 1-based): chr3:132,699,401-132,699,402, AC deleted on the plus strand (GT on the coding strand, the reverse complement: NPHP3 is on the minus strand); deleting any 2 consecutive bases within chr3:132,699,401-132,699,403 gives the same sequence; the c. name uses the placement nearest the transcript's 3' end. VCF-style (leftmost placement, unchanged base first): chr3-132699400-TAC-T. GRCh37 (hg19) VCF-style: chr3-132418244-TAC-T.
Other names: short protein forms V646fs.
Identifiers: ClinVar variation 3382408 (VCV003382408.2).
Genomic context (GRCh38, chr3:132,699,400, plus strand): 5'-GTTGGCATCGTACCTCCATGCTGGAGGGCATGTTTCTACATTCACAGAAACAATTACTCT[TAC>T]ATTCACTGGCAGTGGATCTATCAGCCATTTCATGTGTTTTTCAACTTGCTTAAAAATATA-3'

ClinVar aggregate classification (germline): Likely pathogenic (1 of 4 stars; one submission).

Conditions:
Nephronophthisis 3 (NPHP3). Also called: Adolescent nephronophthisis. Identifiers: Orphanet 655, MedGen C1858392, MONDO:0011456, OMIM 604387.
NPHP3-related Meckel-like syndrome. Also called: GOLDSTON SYNDROME; Meckel syndrome type 7. Identifiers: Orphanet 3032, MedGen C2673885, MONDO:0009966, OMIM 267010.
Renal-hepatic-pancreatic dysplasia 1 (RHPD1). Identifiers: MedGen C3715199, MONDO:0008833, OMIM 208540.

Submission:

Juno Genomics, Hangzhou Juno Genomics, Inc
Classification: Likely pathogenic for NPHP3-related Meckel-like syndrome; Nephronophthisis 3; Renal-hepatic-pancreatic dysplasia 1. Review status: criteria provided, single submitter. Criteria: ACMG Guidelines, 2015. Collection method: clinical testing. Allele origin: germline. Affected: yes.
Comment: Absent from controls (or at extremely low frequency if recessive) in Genome Aggregation Database, Exome Sequencing Project, 1000 Genomes Project, or Exome Aggregation Consortium.;Null variant in a gene where loss of function (LOF) is a known mechanism of disease.